The following is an entry in ClinVar:

ClinVar aggregate classification (germline): Uncertain significance (1 of 4 stars; one submission).

Conditions:
Gastrointestinal stromal tumor. Also called: Gastrointestinal stromal tumor, somatic; Gastrointestinal stroma tumor. Identifiers: Orphanet 44890, MedGen C0238198, MeSH D046152, MONDO:0011719, OMIM 606764, HP:0100723.

Submission:

Labcorp Genetics (formerly Invitae), Labcorp
Classification: Uncertain significance for Gastrointestinal stromal tumor. Last evaluated: 2021-04-05. Review status: criteria provided, single submitter. Criteria: Invitae Variant Classification Sherloc (09022015). Collection method: clinical testing. Allele origin: germline.
Comment: In summary, the available evidence is currently insufficient to determine the role of this variant in disease. Therefore, it has been classified as a Variant of Uncertain Significance. Algorithms developed to predict the effect of sequence changes on RNA splicing suggest that this variant may create or strengthen a splice site, but this prediction has not been confirmed by published transcriptional studies. Algorithms developed to predict the effect of missense changes on protein structure and function are either unavailable or do not agree on the potential impact of this missense change (SIFT: "Deleterious"; PolyPhen-2: "Probably Damaging"; Align-GVGD: "Class C0"). This variant has not been reported in the literature in individuals with PDGFRA-related conditions. This variant is not present in population databases (ExAC no frequency). This sequence change replaces valine with glycine at codon 721 of the PDGFRA protein (p.Val721Gly). The valine residue is highly conserved and there is a moderate physicochemical difference between valine and glycine.

NM_006206.6(PDGFRA):c.2162T>G (p.Val721Gly)

Gene: PDGFRA (platelet derived growth factor receptor alpha; plus strand). Cytogenetic location: 4q12.
Variant type: single nucleotide variant.
Coding change: c.2162T>G on transcript NM_006206.6 (MANE Select); coding-DNA position 2162, T replaced by G.
Protein change: p.Val721Gly; replaces valine 721 with glycine.
Molecular consequence: missense variant.
Genome position (GRCh38, 1-based): chr4:54,280,321, T>G. VCF-style: chr4-54280321-T-G. GRCh37 (hg19) VCF-style: chr4-55146488-T-G.
Other names: c.2162T>G, p.Val721Gly (NM_001347827.2, NM_001347829.2); c.2237T>G, p.Val746Gly (NM_001347828.2); c.2201T>G, p.Val734Gly (NM_001347830.2); short protein forms V734G, V746G, V721G.
Identifiers: ClinVar variation 1523205 (VCV001523205.8), dbSNP rs1723999711, ClinGen allele CA356894198.